The following is an entry in ClinVar:

ClinVar aggregate classification (germline): Likely benign (0 of 4 stars; one submission).

Conditions:
SEMA3G-related disorder. Also called: SEMA3G-related condition.

Allele frequency attached by ClinVar (database versions not stated): TOPMed 0.00005; gnomAD 0.00006; ExAC 0.00008; ESP Exome Variant Server 0.00008; gnomAD exomes 0.00010.

Submission:

PreventionGenetics, part of Exact Sciences
Classification: Likely benign for SEMA3G-related condition. Last evaluated: 2021-12-08. Review status: no assertion criteria provided. Collection method: clinical testing. Allele origin: germline.
Comment: This variant is classified as likely benign based on ACMG/AMP sequence variant interpretation guidelines (Richards et al. 2015 PMID: 25741868, with internal and published modifications).

NM_020163.3(SEMA3G):c.1449G>A (p.Glu483=)

Gene: SEMA3G (semaphorin 3G; minus strand). Cytogenetic location: 3p21.1.
Variant type: single nucleotide variant.
Coding change: c.1449G>A on transcript NM_020163.3 (MANE Select); coding-DNA position 1449, G replaced by A.
Protein change: p.Glu483=; no amino-acid change (glutamic acid 483 retained).
Molecular consequence: synonymous variant.
Genome position (GRCh38, 1-based): chr3:52,439,698, C>T on the plus strand (G>A on the coding strand, the complement: SEMA3G is on the minus strand). VCF-style: chr3-52439698-C-T. GRCh37 (hg19) VCF-style: chr3-52473714-C-T.
Identifiers: ClinVar variation 3046317 (VCV003046317.2), dbSNP rs369908086, ClinGen allele CA2437940.